The following is an entry in ClinVar:

NM_006147.4(IRF6):c.175-1G>A

Gene: IRF6 (interferon regulatory factor 6; minus strand). Cytogenetic location: 1q32.2.
Variant type: single nucleotide variant.
Coding change: c.175-1G>A on transcript NM_006147.4 (MANE Select); the canonical splice acceptor site of the intron before coding-DNA position 175, G replaced by A.
Molecular consequence: splice acceptor variant.
Genome position (GRCh38, 1-based): chr1:209,796,553, C>T on the plus strand (G>A on the coding strand, the complement: IRF6 is on the minus strand). VCF-style: chr1-209796553-C-T. GRCh37 (hg19) VCF-style: chr1-209969898-C-T.
Other names: c.175-1G>A (NM_006147.3); c.-111-1G>A (NM_001206696.2).
Identifiers: ClinVar variation 4795365 (VCV004795365.2).
Genomic context (GRCh38, chr1:209,796,553, plus strand): 5'-TTTAGCTGGGTCAGGGTCATCCACCCCTTCCTGGTACTTCCCTGTCTCTACAGCCCAGGC[C>T]TGAGAACAAGAAACCACAGTGAGTCCTATCATTGCCCAGAGCCACTGCAAAGCATGTGCT-3'

ClinVar aggregate classification (germline): Pathogenic. Review status: criteria provided, multiple submitters, no conflicts (2 of 4 stars). 2 submissions from 2 submitters: Pathogenic (2). Last evaluated 2025-08-12.

Conditions:
IRF6-related condition. Also called: IRF6-Related Disorders; IRF6-related disorder. Identifiers: MedGen CN378148, MONDO:1040010.

Submissions (2):

GeneDx
Classification: Pathogenic. Last evaluated: 2025-08-12. Review status: criteria provided, single submitter. Criteria: GeneDx Variant Classification Process June 2021. Collection method: clinical testing. Allele origin: germline. Affected: yes.
Comment: Canonical splice site variant predicted to result in a null allele in a gene for which loss of function is a known mechanism of disease; Not observed at significant frequency in large population cohorts (gnomAD); This variant is associated with the following publications: (PMID: 25525159, 19282774)

PreventionGenetics, part of Exact Sciences
Classification: Pathogenic for IRF6-related condition. Last evaluated: 2025-01-30. Review status: criteria provided, single submitter. Criteria: ACMG Guidelines, 2015. Collection method: clinical testing. Allele origin: germline.
Comment: The IRF6 c.175-1G>A variant is predicted to disrupt the AG splice acceptor site and interfere with normal splicing. This variant has been reported in an individual with Van der Woude syndrome (de Lima et al. 2009. PubMed ID: 19282774). This variant has not been reported in a large population database (gnomAD), indicating this variant is rare. Variants that disrupt the consensus splice acceptor site in IRF6 are expected to be pathogenic. This variant is interpreted as pathogenic.